The following is an entry in ClinVar:

NM_018089.3(ANKZF1):c.1204+1G>C

Gene: ANKZF1 (ankyrin repeat and zinc finger peptidyl tRNA hydrolase 1; plus strand). Cytogenetic location: 2q35.
Variant type: single nucleotide variant.
Coding change: c.1204+1G>C on transcript NM_018089.3 (MANE Select); the canonical splice donor site of the intron after coding-DNA position 1204, G replaced by C.
Molecular consequence: splice donor variant.
Genome position (GRCh38, 1-based): chr2:219,234,289, G>C. VCF-style: chr2-219234289-G-C. GRCh37 (hg19) VCF-style: chr2-220099011-G-C.
Other names: c.1204+1G>C (NM_001042410.2); c.574+1G>C (NM_001282792.2).
Identifiers: ClinVar variation 3693082 (VCV003693082.2).

ClinVar aggregate classification (germline): Uncertain significance (1 of 4 stars; one submission).

Submission:

Labcorp Genetics (formerly Invitae), Labcorp
Classification: Uncertain significance. Last evaluated: 2025-08-08. Review status: criteria provided, single submitter. Criteria: Invitae Variant Classification Sherloc (09022015). Collection method: clinical testing. Allele origin: germline.
Comment: This sequence change affects a donor splice site in intron 9 of the ANKZF1 gene. It is expected to disrupt RNA splicing. Variants that disrupt the donor or acceptor splice site typically lead to a loss of protein function (PMID: 16199547), however the current clinical and genetic evidence is not sufficient to establish whether loss-of-function variants in ANKZF1 cause disease. This variant is present in population databases (rs745714073, gnomAD no frequency). This variant has not been reported in the literature in individuals affected with ANKZF1-related conditions. ClinVar contains an entry for this variant (Variation ID: 3693082). Algorithms developed to predict the effect of sequence changes on RNA splicing suggest that this variant may disrupt the consensus splice site. In summary, the available evidence is currently insufficient to determine the role of this variant in disease. Therefore, it has been classified as a Variant of Uncertain Significance.

Literature cited by the submitters: PubMed 16199547.